The following is an entry in ClinVar:

ClinVar aggregate classification (germline): Uncertain significance (1 of 4 stars; one submission).

Conditions:
Combined immunodeficiency due to DOCK8 deficiency (HIES2). Also called: HIES autosomal recessive; Hyper-IgE recurrent infection syndrome, autosomal recessive; HYPER-IgE SYNDROME 2, AUTOSOMAL RECESSIVE, WITH RECURRENT INFECTIONS; HYPER-IgE RECURRENT INFECTION SYNDROME 2, AUTOSOMAL RECESSIVE; DOCK8 Deficiency. Identifiers: Orphanet 217390, MedGen C4722305, MONDO:0009478, OMIM 243700.

Allele frequency attached by ClinVar (database versions not stated): TOPMed below 0.00001.

Submission:

Labcorp Genetics (formerly Invitae), Labcorp
Classification: Uncertain significance for Combined immunodeficiency due to DOCK8 deficiency. Last evaluated: 2023-11-27. Review status: criteria provided, single submitter. Criteria: Invitae Variant Classification Sherloc (09022015). Collection method: clinical testing. Allele origin: germline.
Comment: This sequence change replaces glycine, which is neutral and non-polar, with arginine, which is basic and polar, at codon 359 of the DOCK8 protein (p.Gly359Arg). This variant is not present in population databases (gnomAD no frequency). This variant has not been reported in the literature in individuals affected with DOCK8-related conditions. ClinVar contains an entry for this variant (Variation ID: 1463115). Advanced modeling of protein sequence and biophysical properties (such as structural, functional, and spatial information, amino acid conservation, physicochemical variation, residue mobility, and thermodynamic stability) performed at Invitae indicates that this missense variant is not expected to disrupt DOCK8 protein function with a negative predictive value of 80%. In summary, the available evidence is currently insufficient to determine the role of this variant in disease. Therefore, it has been classified as a Variant of Uncertain Significance.

NM_203447.4(DOCK8):c.1075G>A (p.Gly359Arg)

Gene: DOCK8 (dedicator of cytokinesis 8; plus strand). Cytogenetic location: 9p24.3.
Variant type: single nucleotide variant.
Coding change: c.1075G>A on transcript NM_203447.4 (MANE Select); coding-DNA position 1075, G replaced by A.
Protein change: p.Gly359Arg; replaces glycine 359 with arginine.
Molecular consequence: missense variant.
Genome position (GRCh38, 1-based): chr9:332,428, G>A. VCF-style: chr9-332428-G-A. GRCh37 (hg19) VCF-style: chr9-332428-G-A.
Other names: c.871G>A, p.Gly291Arg (NM_001190458.2, NM_001193536.2); short protein forms G291R, G359R.
Identifiers: ClinVar variation 1463115 (VCV001463115.8), dbSNP rs2051056661, ClinGen allele CA372752121.